The following is an entry in ClinVar:

NM_181882.3(PRX):c.2832T>C (p.Ala944=)

Gene: PRX (periaxin; minus strand). Cytogenetic location: 19q13.2.
Variant type: single nucleotide variant.
Coding change: c.2832T>C on transcript NM_181882.3 (MANE Select); coding-DNA position 2832, T replaced by C.
Protein change: p.Ala944=; no amino-acid change (alanine 944 retained).
Molecular consequence: synonymous variant. On other transcripts: 3 prime UTR variant (1).
Genome position (GRCh38, 1-based): chr19:40,395,520, A>G on the plus strand (T>C on the coding strand, the complement: PRX is on the minus strand). VCF-style: chr19-40395520-A-G. GRCh37 (hg19) VCF-style: chr19-40901427-A-G.
Other names: c.*3037T>C (NM_020956.2).
Identifiers: ClinVar variation 386663 (VCV000386663.19), dbSNP rs145226687, ClinGen allele CA9443971.

ClinVar aggregate classification (germline): Conflicting classifications of pathogenicity. Review status: criteria provided, conflicting classifications (1 of 4 stars). 5 submissions from 5 submitters: Uncertain significance (1); Likely benign (3). 1 of the submissions does not count toward it. Last evaluated 2026-01-19.

Conditions:
Inborn genetic diseases. Identifiers: MedGen C0950123, MeSH D030342.
Charcot-Marie-Tooth disease type 4. Also called: Charcot-Marie-Tooth disease, type IV; Charcot-Marie-Tooth, Type 4. Identifiers: Orphanet 64749, MedGen C4082197, MONDO:0018995.
PRX-related disorder. Also called: PRX-related condition; PRX-Related Disorders.
Charcot-Marie-Tooth disease type 4F. Also called: Charcot-Marie-Tooth disease, demyelinating, type 4F. Identifiers: Orphanet 99952, MedGen C3540453, MONDO:0013959, OMIM 614895.

Allele frequency attached by ClinVar (database versions not stated): gnomAD exomes 0.00005 and 0.00009; ExAC 0.00011; ESP Exome Variant Server 0.00038; gnomAD 0.00045 and 0.00046; TOPMed 0.00057; 1000 Genomes Project 0.00100; 1000 Genomes Project 30x 0.00109.
gnomAD v4.1: 138 of 1,614,162 alleles (0.0085%); highest among the groups gnomAD compares: African/African-American, 0.18%; no homozygotes.

Submissions (5):

Labcorp Genetics (formerly Invitae), Labcorp
Classification: Likely benign for Charcot-Marie-Tooth disease type 4. Last evaluated: 2026-01-19. Review status: criteria provided, single submitter. Criteria: Invitae Variant Classification Sherloc (09022015). Collection method: clinical testing. Allele origin: germline.

Ambry Genetics
Classification: Likely benign for Inborn genetic diseases. Last evaluated: 2019-07-11. Review status: criteria provided, single submitter. Criteria: Ambry Variant Classification Scheme 2023. Collection method: clinical testing. Allele origin: germline.

Illumina Laboratory Services, Illumina
Classification: Uncertain significance for Charcot-Marie-Tooth disease type 4F. Last evaluated: 2018-01-13. Review status: criteria provided, single submitter. Criteria: ICSL Variant Classification Criteria 13 December 2019. Collection method: clinical testing. Allele origin: germline.

GeneDx
Classification: Likely benign. Last evaluated: 2017-07-10. Review status: criteria provided, single submitter. Criteria: GeneDx Variant Classification (06012015). Collection method: clinical testing. Allele origin: germline. Affected: yes.
Comment: This variant is considered likely benign or benign based on one or more of the following criteria: it is a conservative change, it occurs at a poorly conserved position in the protein, it is predicted to be benign by multiple in silico algorithms, and/or has population frequency not consistent with disease.

PreventionGenetics, part of Exact Sciences
Classification: Likely benign for PRX-related condition. Last evaluated: 2019-08-01. Review status: no assertion criteria provided. Collection method: clinical testing. Allele origin: germline. Not counted in ClinVar's aggregate classification.
Comment: This variant is classified as likely benign based on ACMG/AMP sequence variant interpretation guidelines (Richards et al. 2015 PMID: 25741868, with internal and published modifications).